The following is an entry in ClinVar:

NM_015192.4(PLCB1):c.1543G>A (p.Asp515Asn)

Gene: PLCB1 (phospholipase C beta 1; plus strand). Cytogenetic location: 20p12.3.
Variant type: single nucleotide variant.
Coding change: c.1543G>A on transcript NM_015192.4 (MANE Select); coding-DNA position 1543, G replaced by A.
Protein change: p.Asp515Asn; replaces aspartic acid 515 with asparagine.
Molecular consequence: missense variant.
Genome position (GRCh38, 1-based): chr20:8,722,383, G>A. VCF-style: chr20-8722383-G-A. GRCh37 (hg19) VCF-style: chr20-8703030-G-A.
Other names: c.1543G>A, p.Asp515Asn (NM_182734.3); short protein forms D515N.
Identifiers: ClinVar variation 1699674 (VCV001699674.3), dbSNP rs745450384, ClinGen allele CA9759989.

ClinVar aggregate classification (germline): Uncertain significance (1 of 4 stars; one submission).

Allele frequency attached by ClinVar (database versions not stated): gnomAD exomes 0.00002; ExAC 0.00002.
gnomAD v4.1: 6 of 1,606,756 alleles (0.00037%); highest among the groups gnomAD compares: South Asian, 0.0033%; no homozygotes.

Submission:

GeneDx
Classification: Uncertain significance. Last evaluated: 2024-06-28. Review status: criteria provided, single submitter. Criteria: GeneDx Variant Classification Process June 2021. Collection method: clinical testing. Allele origin: germline.
Comment: Not observed at significant frequency in large population cohorts (gnomAD); In silico analysis indicates that this missense variant does not alter protein structure/function; Has not been previously published as pathogenic or benign to our knowledge